The following is an entry in ClinVar:

NM_002618.4(PEX13):c.46C>T (p.Arg16Ter)

Genes: PEX13 (peroxisomal biogenesis factor 13; plus strand), PUS10 (pseudouridine synthase 10; minus strand). Cytogenetic location: 2p15.
Variant type: single nucleotide variant.
Coding change: c.46C>T on transcript NM_002618.4 (MANE Select); coding-DNA position 46, C replaced by T.
Protein change: p.Arg16Ter; replaces arginine 16 with a stop codon.
Molecular consequence: nonsense. On other transcripts: intron variant (2).
Genome position (GRCh38, 1-based): chr2:61,017,805, C>T. VCF-style: chr2-61017805-C-T. GRCh37 (hg19) VCF-style: chr2-61244940-C-T.
Other names: c.-16+203G>A (NM_144709.4); c.-623+203G>A (NM_001322127.1); short protein forms R16*.
Identifiers: ClinVar variation 1372243 (VCV001372243.7), dbSNP rs1178588746, ClinGen allele CA346936941.

ClinVar aggregate classification (germline): Pathogenic/Likely pathogenic. Review status: criteria provided, multiple submitters, no conflicts (2 of 4 stars). 2 submissions from 2 submitters: Pathogenic (1); Likely pathogenic (1). Last evaluated 2025-11-07.

Conditions:
PEX13-related disorder. Also called: PEX13-related disorders; PEX13-related condition.
Peroxisome biogenesis disorder 11A (Zellweger). Also called: Peroxisome biogenesis disorder 11A. Identifiers: Orphanet 912, MedGen C3554000, MONDO:0013949, OMIM 614883.

Allele frequency attached by ClinVar (database versions not stated): gnomAD 0.00001; TOPMed 0.00002; gnomAD exomes 0.00003.
gnomAD v4.1: 46 of 1,550,436 alleles (0.003%); highest among the groups gnomAD compares: Non-Finnish European, 0.0038%; no homozygotes.

Submissions (2):

Labcorp Genetics (formerly Invitae), Labcorp
Classification: Pathogenic for Peroxisome biogenesis disorder 11A (Zellweger). Last evaluated: 2025-11-07. Review status: criteria provided, single submitter. Criteria: Invitae Variant Classification Sherloc (09022015). Collection method: clinical testing. Allele origin: germline.
Comment: This sequence change creates a premature translational stop signal (p.Arg16*) in the PEX13 gene. It is expected to result in an absent or disrupted protein product. Loss-of-function variants in PEX13 are known to be pathogenic (PMID: 10332040, 21031596). This variant is not present in population databases (gnomAD no frequency). This variant has not been reported in the literature in individuals affected with PEX13-related conditions. ClinVar contains an entry for this variant (Variation ID: 1372243). For these reasons, this variant has been classified as Pathogenic.

Blueprint Genetics
Classification: Likely pathogenic for PEX13-related disorders. Last evaluated: 2024-06-03. Review status: criteria provided, single submitter. Criteria: ACMG Guidelines, 2015. Collection method: clinical testing. Allele origin: germline. Affected: yes. Observed: 2 variant alleles.

Literature cited by the submitters: PubMed 10332040 (cited by Labcorp Genetics (formerly Invitae), Labcorp); PubMed 21031596 (cited by Labcorp Genetics (formerly Invitae), Labcorp).